The following is an entry in ClinVar:

ClinVar aggregate classification (germline): Conflicting classifications of pathogenicity. Review status: criteria provided, conflicting classifications (1 of 4 stars). 5 submissions from 5 submitters: Uncertain significance (3); Likely benign (2). Last evaluated 2026-06-29.

Conditions:
Familial hypercholesterolemia. Also called: Familial hypercholesterolaemia; Familial hypercholesterolemias. Identifiers: MedGen C0020445, MONDO:0005439.
Cardiovascular phenotype. Identifiers: MedGen CN230736.
Hypercholesterolemia, autosomal dominant, type B (FHCL2). Also called: APOLIPOPROTEIN B-100, FAMILIAL DEFECTIVE; APOLIPOPROTEIN B-100, FAMILIAL LIGAND-DEFECTIVE; Familial Hypercholesterolemia Type B; Hyperlipoproteinemia Type IIb; HYPERCHOLESTEROLEMIA, FAMILIAL, DUE TO LIGAND-DEFECTIVE APOLIPOPROTEIN B; APOB-Related Familial Hypercholesterolemia, Autosomal Dominant. Identifiers: MedGen C1704417, MONDO:0007751, OMIM 144010.
Familial hypobetalipoproteinemia 1. Also called: APOB-Related Familial Hypobetalipoproteinemia; Hypobetalipoproteinemia, normotriglyceridemic; Acanthocytosis with hypobetalipoproteinemia. Identifiers: MedGen C4551990, MONDO:0014252, OMIM 615558.

Allele frequency attached by ClinVar (database versions not stated): gnomAD 0.00007 and 0.00008; gnomAD exomes 0.00008 and 0.00010; TOPMed 0.00008; ExAC 0.00009; ESP Exome Variant Server 0.00015.
gnomAD v4.1: 160 of 1,613,844 alleles (0.0099%); highest among the groups gnomAD compares: Non-Finnish European, 0.012%; no homozygotes.

Submissions (5):

Cambridge Genomics Laboratory, East Genomic Laboratory Hub, NHS Genomic Medicine Service
Classification: Uncertain significance for Familial hypercholesterolaemia. Last evaluated: 2026-06-29. Review status: criteria provided, single submitter. Criteria: ACGS Best Practice Guidelines for Variant Classification in Rare Disease 2020. Collection method: clinical testing. Allele origin: germline. Affected: yes.
Comment: PM2_Supporting

Labcorp Genetics (formerly Invitae), Labcorp
Classification: Likely benign for Familial hypobetalipoproteinemia 1; Hypercholesterolemia, autosomal dominant, type B. Last evaluated: 2026-01-20. Review status: criteria provided, single submitter. Criteria: Invitae Variant Classification Sherloc (09022015). Collection method: clinical testing. Allele origin: germline.

Mayo Clinic Laboratories, Mayo Clinic
Classification: Uncertain significance. Last evaluated: 2025-12-10. Review status: criteria provided, single submitter. Criteria: ACMG Guidelines, 2015. Collection method: clinical testing. Allele origin: germline. Observed: 1 variant allele.
Comment: BP4_moderate

Ambry Genetics
Classification: Likely benign for Cardiovascular phenotype. Last evaluated: 2022-03-28. Review status: criteria provided, single submitter. Criteria: Ambry Variant Classification Scheme 2023. Collection method: clinical testing. Allele origin: germline.

GeneDx
Classification: Uncertain significance. Last evaluated: 2017-09-21. Review status: criteria provided, single submitter. Criteria: GeneDx Variant Classification (06012015). Collection method: clinical testing. Allele origin: germline. Affected: yes.
Comment: A variant of uncertain significance has been identified in the APOB gene. The R3989H variant has not been published as pathogenic or been reported as benign to our knowledge. The R3989H variant is not observed at a significant frequency in large population cohorts (Lek et al., 2016). Nevertheless, the R3989H variant is a conservative amino acid substitution, which is not likely to impact secondary protein structure as these residues share similar properties. Additionally, this substitution occurs at a position not conserved, and histidine (H) is tolerated at this position in several species. Furthermore, in silico analysis predicts this variant likely does not alter the protein structure/function.

NM_000384.3(APOB):c.11966G>A (p.Arg3989His)

Gene: APOB (apolipoprotein B; minus strand). Cytogenetic location: 2p24.1.
Variant type: single nucleotide variant.
Coding change: c.11966G>A on transcript NM_000384.3 (MANE Select); coding-DNA position 11966, G replaced by A.
Protein change: p.Arg3989His; replaces arginine 3989 with histidine.
Molecular consequence: missense variant.
Genome position (GRCh38, 1-based): chr2:21,004,390, C>T on the plus strand (G>A on the coding strand, the complement: APOB is on the minus strand). VCF-style: chr2-21004390-C-T. GRCh37 (hg19) VCF-style: chr2-21227262-C-T.
Other names: p.Arg3989His; short protein forms R3989H.
Identifiers: ClinVar variation 237736 (VCV000237736.17), dbSNP rs148197354, ClinGen allele CA048376.
Genomic context (GRCh38, chr2:21,004,390, plus strand): 5'-ACGGTGCCTACGGCTGGGGAGGCTGCTGAGGTGGAGATGCCTTTCTTGTCTTTCTGGTAG[C>T]GCAGATGGAGATCGGTGAACGCTGGGCTTTTGATATTGAGGTGCGCTTTTCCTTCCCATT-3'
Protein context (NP_000375.3, residues 3979-3999): KSPAFTDLHL[Arg3989His]YQKDKKGIST